The following is an entry in ClinVar:

ClinVar aggregate classification (germline): Uncertain significance. Review status: criteria provided, multiple submitters, no conflicts (2 of 4 stars). 2 submissions from 2 submitters: Uncertain significance (2). Last evaluated 2025-02-20.

Conditions:
Gastrointestinal stromal tumor. Also called: Gastrointestinal stromal tumor, somatic; Gastrointestinal stroma tumor. Identifiers: Orphanet 44890, MedGen C0238198, MeSH D046152, MONDO:0011719, OMIM 606764, HP:0100723.
Hereditary cancer-predisposing syndrome. Also called: Neoplastic Syndromes, Hereditary; Hereditary neoplastic syndrome; Tumor predisposition; Hereditary Cancer Syndrome. Identifiers: Orphanet 140162, MedGen C0027672, MeSH D009386, MONDO:0015356.

Submissions (2):

Ambry Genetics
Classification: Uncertain significance for Hereditary cancer-predisposing syndrome. Last evaluated: 2025-02-20. Review status: criteria provided, single submitter. Criteria: Ambry Variant Classification Scheme 2023. Collection method: clinical testing. Allele origin: germline.
Comment: The p.S395T variant (also known as c.1183T>A), located in coding exon 7 of the KIT gene, results from a T to A substitution at nucleotide position 1183. The serine at codon 395 is replaced by threonine, an amino acid with similar properties. This amino acid position is conserved. In addition, this alteration is predicted to be tolerated by in silico analysis. Based on the available evidence, the clinical significance of this variant remains unclear.

Baylor Genetics
Classification: Uncertain significance for Gastrointestinal stromal tumor. Last evaluated: 2023-09-26. Review status: criteria provided, single submitter. Criteria: ACMG Guidelines, 2015. Collection method: clinical testing. Allele origin: unknown.

NM_000222.3(KIT):c.1183T>A (p.Ser395Thr)

Gene: KIT (KIT proto-oncogene, receptor tyrosine kinase; plus strand). Cytogenetic location: 4q12.
Variant type: single nucleotide variant.
Coding change: c.1183T>A on transcript NM_000222.3 (MANE Select); coding-DNA position 1183, T replaced by A.
Protein change: p.Ser395Thr; replaces serine 395 with threonine.
Molecular consequence: missense variant.
Genome position (GRCh38, 1-based): chr4:54,709,491, T>A. VCF-style: chr4-54709491-T-A. GRCh37 (hg19) VCF-style: chr4-55575657-T-A.
Other names: c.1183T>A, p.Ser395Thr (NM_001093772.2, NM_001385285.1, NM_001385286.1); c.1186T>A, p.Ser396Thr (NM_001385284.1, NM_001385288.1, NM_001385290.1 and 1 more transcripts); short protein forms S395T, S396T.
Identifiers: ClinVar variation 2676214 (VCV002676214.2), dbSNP rs2475486269, ClinGen allele CA356902415.